The following is an entry in ClinVar:

NM_080425.4(GNAS):c.1758C>T (p.Ser586=)

Gene: GNAS (GNAS complex locus; plus strand). Cytogenetic location: 20q13.32.
Variant type: single nucleotide variant.
Coding change: c.1758C>T on transcript NM_080425.4 (MANE Plus Clinical); coding-DNA position 1758, C replaced by T.
Protein change: p.Ser586=; no amino-acid change (serine 586 retained).
Molecular consequence: synonymous variant. On other transcripts: missense variant (2), intron variant (3).
Genome position (GRCh38, 1-based): chr20:58,855,023, C>T. VCF-style: chr20-58855023-C-T. GRCh37 (hg19) VCF-style: chr20-57430078-C-T.
Other names: c.1571C>T, p.Pro524Leu (NM_001077490.3, NM_001309883.1); c.1758C>T, p.Ser586= (NM_001410913.1); c.*42+14137C>T (NM_016592.5); c.43+14137C>T (NM_001410912.1); c.-39+13148C>T (NM_001309861.2); short protein forms P524L.
Identifiers: ClinVar variation 5002262 (VCV005002262.1).

ClinVar aggregate classification (germline): Uncertain significance (1 of 4 stars; one submission).

Conditions:
GNAS-related disorder. Identifiers: MedGen CN380105.

gnomAD v4.1: 3 of 1,612,856 alleles (0.00019%); highest among the groups gnomAD compares: Admixed American, 0.0033%; no homozygotes.

Submission:

PreventionGenetics, part of Exact Sciences
Classification: Uncertain significance for GNAS-related condition. Last evaluated: 2026-08-24. Review status: criteria provided, single submitter. Criteria: ACMG Guidelines, 2015. Collection method: clinical testing. Allele origin: germline.
Comment: The GNAS c.1571C>T variant is predicted to result in the amino acid substitution p.Pro524Leu. To our knowledge, this variant has not been reported in the literature. This variant is reported in 0.0058% of alleles in individuals of Latino descent in gnomAD. At this time, the clinical significance of this variant is uncertain due to the absence of conclusive functional and genetic evidence.